The following is an entry in ClinVar:

NM_001709.5(BDNF):c.272C>A (p.Thr91Lys)

Genes: BDNF (brain derived neurotrophic factor; minus strand), BDNF-AS (BDNF antisense RNA; plus strand). Cytogenetic location: 11p14.1.
Variant type: single nucleotide variant.
Coding change: c.272C>A on transcript NM_001709.5 (MANE Select); coding-DNA position 272, C replaced by A.
Protein change: p.Thr91Lys; replaces threonine 91 with lysine.
Molecular consequence: missense variant. On other transcripts: non-coding transcript variant (5).
Genome position (GRCh38, 1-based): chr11:27,658,293, G>T on the plus strand (C>A on the coding strand, the complement: BDNF is on the minus strand). VCF-style: chr11-27658293-G-T. GRCh37 (hg19) VCF-style: chr11-27679840-G-T.
Other names: c.272C>A, p.Thr91Lys (NM_001143805.1, NM_001143806.1, NM_001143807.2 and 9 more transcripts); c.359C>A, p.Thr120Lys (NM_001143809.2); c.518C>A, p.Thr173Lys (NM_001143810.2); c.296C>A, p.Thr99Lys (NM_170731.5); c.317C>A, p.Thr106Lys (NM_170734.4); short protein forms T106K, T120K, T173K, T91K, T99K.
Identifiers: ClinVar variation 3354074 (VCV003354074.1).

ClinVar aggregate classification (germline): Uncertain significance (0 of 4 stars; one submission).

Conditions:
BDNF-related disorder. Also called: BDNF-related condition.

gnomAD v4.1: 5 of 1,613,992 alleles (0.00031%); highest among the groups gnomAD compares: Admixed American, 0.0033%; no homozygotes.

Submission:

PreventionGenetics, part of Exact Sciences
Classification: Uncertain significance for BDNF-related condition. Last evaluated: 2024-07-10. Review status: no assertion criteria provided. Collection method: clinical testing. Allele origin: germline.
Comment: The BDNF c.518C>A variant is predicted to result in the amino acid substitution p.Thr173Lys. To our knowledge, this variant has not been reported in the literature. This variant is reported in 0.0058% of alleles in individuals of Latino descent in gnomAD. At this time, the clinical significance of this variant is uncertain due to the absence of conclusive functional and genetic evidence.